The following is an entry in ClinVar:

NM_000452.3(SLC10A2):c.640A>G (p.Ile214Val)

Gene: SLC10A2 (solute carrier family 10 member 2; minus strand). Cytogenetic location: 13q33.1.
Variant type: single nucleotide variant.
Coding change: c.640A>G on transcript NM_000452.3 (MANE Select); coding-DNA position 640, A replaced by G.
Protein change: p.Ile214Val; replaces isoleucine 214 with valine.
Molecular consequence: missense variant.
Genome position (GRCh38, 1-based): chr13:103,051,378, T>C on the plus strand (A>G on the coding strand, the complement: SLC10A2 is on the minus strand). VCF-style: chr13-103051378-T-C. GRCh37 (hg19) VCF-style: chr13-103703728-T-C.
Other names: short protein forms I214V.
Identifiers: ClinVar variation 2814794 (VCV002814794.3), dbSNP rs2501814073, ClinGen allele CA388606232.

ClinVar aggregate classification (germline): Uncertain significance (1 of 4 stars; one submission).

Submission:

Labcorp Genetics (formerly Invitae), Labcorp
Classification: Uncertain significance. Last evaluated: 2023-04-28. Review status: criteria provided, single submitter. Criteria: Invitae Variant Classification Sherloc (09022015). Collection method: clinical testing. Allele origin: germline.
Comment: In summary, the available evidence is currently insufficient to determine the role of this variant in disease. Therefore, it has been classified as a Variant of Uncertain Significance. Advanced modeling of protein sequence and biophysical properties (such as structural, functional, and spatial information, amino acid conservation, physicochemical variation, residue mobility, and thermodynamic stability) performed at Invitae indicates that this missense variant is not expected to disrupt SLC10A2 protein function. This variant has not been reported in the literature in individuals affected with SLC10A2-related conditions. This variant is not present in population databases (gnomAD no frequency). This sequence change replaces isoleucine, which is neutral and non-polar, with valine, which is neutral and non-polar, at codon 214 of the SLC10A2 protein (p.Ile214Val).